The following is an entry in ClinVar:

NM_001004334.4(GPR179):c.599G>T (p.Arg200Leu)

Gene: GPR179 (G protein-coupled receptor 179; minus strand). Cytogenetic location: 17q12.
Variant type: single nucleotide variant.
Coding change: c.599G>T on transcript NM_001004334.4 (MANE Select); coding-DNA position 599, G replaced by T.
Protein change: p.Arg200Leu; replaces arginine 200 with leucine.
Molecular consequence: missense variant.
Genome position (GRCh38, 1-based): chr17:38,343,191, C>A on the plus strand (G>T on the coding strand, the complement: GPR179 is on the minus strand). VCF-style: chr17-38343191-C-A. GRCh37 (hg19) VCF-style: chr17-36499074-C-A.
Other names: short protein forms R200L.
Identifiers: ClinVar variation 1471091 (VCV001471091.8), dbSNP rs369594894, ClinGen allele CA398888887.
Genomic context (GRCh38, chr17:38,343,191, plus strand): 5'-TATCCATCTGCCTGCGGCCACTTGGGGCTGCCGAGGCTCCCTAGGTCATTGGTCAACACT[C>A]GCTTCTTCAGGGCAGGGGTGTCCAGGTCCCCAGGAGGGTTCTCCTCCTGCACCCAGTTCC-3'
Protein context (NP_001004334.3, residues 190-210): GDLDTPALKK[Arg200Leu]VLTNDLGSLG

ClinVar aggregate classification (germline): Uncertain significance (1 of 4 stars; one submission).

Submission:

Labcorp Genetics (formerly Invitae), Labcorp
Classification: Uncertain significance. Last evaluated: 2022-07-06. Review status: criteria provided, single submitter. Criteria: Invitae Variant Classification Sherloc (09022015). Collection method: clinical testing. Allele origin: germline.
Comment: ClinVar contains an entry for this variant (Variation ID: 1471091). Algorithms developed to predict the effect of missense changes on protein structure and function are either unavailable or do not agree on the potential impact of this missense change (SIFT: "Deleterious"; PolyPhen-2: "Probably Damaging"; Align-GVGD: "Class C0"). In summary, the available evidence is currently insufficient to determine the role of this variant in disease. Therefore, it has been classified as a Variant of Uncertain Significance. This sequence change replaces arginine, which is basic and polar, with leucine, which is neutral and non-polar, at codon 200 of the GPR179 protein (p.Arg200Leu). This variant is not present in population databases (gnomAD no frequency). This variant has not been reported in the literature in individuals affected with GPR179-related conditions.